The following is an entry in ClinVar:

ClinVar aggregate classification (germline): Uncertain significance (1 of 4 stars; one submission).

Conditions:
Inborn genetic diseases. Identifiers: MedGen C0950123, MeSH D030342.

Submission:

Ambry Genetics
Classification: Uncertain significance for Inborn genetic diseases. Last evaluated: 2025-10-27. Review status: criteria provided, single submitter. Criteria: Ambry Variant Classification Scheme 2023. Collection method: clinical testing. Allele origin: germline.
Comment: The p.E780G variant (also known as c.2339A>G), located in coding exon 14 of the FANCM gene, results from an A to G substitution at nucleotide position 2339. The glutamic acid at codon 780 is replaced by glycine, an amino acid with similar properties. This amino acid position is conserved. In addition, this alteration is predicted to be tolerated by in silico analysis. Based on the available evidence, the clinical significance of this variant remains unclear.

NM_020937.4(FANCM):c.2339A>G (p.Glu780Gly)

Gene: FANCM (FA complementation group M; plus strand). Cytogenetic location: 14q21.2.
Variant type: single nucleotide variant.
Coding change: c.2339A>G on transcript NM_020937.4 (MANE Select); coding-DNA position 2339, A replaced by G.
Protein change: p.Glu780Gly; replaces glutamic acid 780 with glycine.
Molecular consequence: missense variant.
Genome position (GRCh38, 1-based): chr14:45,175,093, A>G. VCF-style: chr14-45175093-A-G. GRCh37 (hg19) VCF-style: chr14-45644296-A-G.
Other names: c.2261A>G, p.Glu754Gly (NM_001308133.2); short protein forms E754G, E780G.
Identifiers: ClinVar variation 4619531 (VCV004619531.1).